The following is an entry in ClinVar:

ClinVar aggregate classification (germline): Uncertain significance (1 of 4 stars; one submission).

Conditions:
Cardiovascular phenotype. Identifiers: MedGen CN230736.

Allele frequency attached by ClinVar (database versions not stated): gnomAD exomes below 0.00001; TOPMed 0.00003; gnomAD 0.00005; 1000 Genomes Project 30x 0.00016.
gnomAD v4.1: 12 of 1,597,536 alleles (0.00075%); highest among the groups gnomAD compares: African/African-American, 0.016%; no homozygotes.

Submission:

Ambry Genetics
Classification: Uncertain significance for Cardiovascular phenotype. Last evaluated: 2020-04-13. Review status: criteria provided, single submitter. Criteria: Ambry Variant Classification Scheme 2023. Collection method: clinical testing. Allele origin: germline.
Comment: The p.V232M variant (also known as c.694G>A), located in coding exon 2 of the TNXB gene, results from a G to A substitution at nucleotide position 694. The valine at codon 232 is replaced by methionine, an amino acid with highly similar properties. This amino acid position is well conserved in available vertebrate species. In addition, this alteration is predicted to be tolerated by in silico analysis. Since supporting evidence is limited at this time, the clinical significance of this alteration remains unclear.

NM_001365276.2(TNXB):c.694G>A (p.Val232Met)

Gene: TNXB (tenascin XB; minus strand). Cytogenetic location: 6p21.33.
Variant type: single nucleotide variant.
Coding change: c.694G>A on transcript NM_001365276.2 (MANE Select); coding-DNA position 694, G replaced by A.
Protein change: p.Val232Met; replaces valine 232 with methionine.
Molecular consequence: missense variant.
Genome position (GRCh38, 1-based): chr6:32,097,159, C>T on the plus strand (G>A on the coding strand, the complement: TNXB is on the minus strand). VCF-style: chr6-32097159-C-T. GRCh37 (hg19) VCF-style: chr6-32064936-C-T.
Other names: c.694G>A, p.Val232Met (NM_019105.8); short protein forms V232M.
Identifiers: ClinVar variation 1756287 (VCV001756287.2), dbSNP rs1465984365, ClinGen allele CA363485755.
Genomic context (GRCh38, chr6:32,097,159, plus strand): 5'-CTCGAGGGCAGGAGCGCTGGCTGCAGTCGGGGCCTGAGAAGCCTGCCCGGCACACACACA[C>T]GCCCTGCACGCAGCGCCCACGGCCTTGGCAGTCCCCGGGACAGGATGGCCAGCCACAGCT-3'
Protein context (NP_001352205.1, residues 222-242): CQGRGRCVQG[Val232Met]CVCRAGFSGP